The following is an entry in ClinVar:

NM_014975.3(MAST1):c.3003+3G>A

Gene: MAST1 (microtubule associated serine/threonine kinase 1; plus strand). Cytogenetic location: 19p13.13.
Variant type: single nucleotide variant.
Coding change: c.3003+3G>A on transcript NM_014975.3 (MANE Select); 3 bases into the intron after coding-DNA position 3003, G replaced by A.
Molecular consequence: intron variant.
Genome position (GRCh38, 1-based): chr19:12,869,298, G>A. VCF-style: chr19-12869298-G-A. GRCh37 (hg19) VCF-style: chr19-12980112-G-A.
Other names: c.3003+3G>A (NM_014975.2).
Identifiers: ClinVar variation 2042162 (VCV002042162.6), dbSNP rs376338996, ClinGen allele CA9233274.

ClinVar aggregate classification (germline): Benign. Review status: criteria provided, single submitter (1 of 4 stars). 2 submissions from 2 submitters: Benign (1). 1 of the submissions does not count toward it. Last evaluated 2025-12-26.

Conditions:
MAST1-related disorder. Also called: MAST1-related condition.

Allele frequency attached by ClinVar (database versions not stated): gnomAD exomes 0.00013; ExAC 0.00066; 1000 Genomes Project 0.00140; gnomAD 0.00166; TOPMed 0.00175; ESP Exome Variant Server 0.00185; 1000 Genomes Project 30x 0.00203.
gnomAD v4.1: 442 of 1,610,646 alleles (0.027%); highest among the groups gnomAD compares: African/African-American, 0.56%; 1 homozygote.

Submissions (2):

Labcorp Genetics (formerly Invitae), Labcorp
Classification: Benign. Last evaluated: 2025-12-26. Review status: criteria provided, single submitter. Criteria: Invitae Variant Classification Sherloc (09022015). Collection method: clinical testing. Allele origin: germline.

PreventionGenetics, part of Exact Sciences
Classification: Benign for MAST1-related condition. Last evaluated: 2020-04-29. Review status: no assertion criteria provided. Collection method: clinical testing. Allele origin: germline. Not counted in ClinVar's aggregate classification.
Comment: This variant is classified as benign based on ACMG/AMP sequence variant interpretation guidelines (Richards et al. 2015 PMID: 25741868, with internal and published modifications).